The following is an entry in ClinVar:

NM_022095.4(ZNF335):c.809G>A (p.Arg270His)

Gene: ZNF335 (zinc finger protein 335; minus strand). Cytogenetic location: 20q13.12.
Variant type: single nucleotide variant.
Coding change: c.809G>A on transcript NM_022095.4 (MANE Select); coding-DNA position 809, G replaced by A.
Protein change: p.Arg270His; replaces arginine 270 with histidine.
Molecular consequence: missense variant.
Genome position (GRCh38, 1-based): chr20:45,967,739, C>T on the plus strand (G>A on the coding strand, the complement: ZNF335 is on the minus strand). VCF-style: chr20-45967739-C-T. GRCh37 (hg19) VCF-style: chr20-44596378-C-T.
Other names: short protein forms R270H.
Identifiers: ClinVar variation 2168684 (VCV002168684.1), dbSNP rs372619700, ClinGen allele CA9885976.

ClinVar aggregate classification (germline): Uncertain significance (1 of 4 stars; one submission).

Allele frequency attached by ClinVar (database versions not stated): ExAC 0.00003; gnomAD exomes 0.00004; ESP Exome Variant Server 0.00008; gnomAD 0.00009; TOPMed 0.00012.

Submission:

Labcorp Genetics (formerly Invitae), Labcorp
Classification: Uncertain significance. Last evaluated: 2022-08-22. Review status: criteria provided, single submitter. Criteria: Invitae Variant Classification Sherloc (09022015). Collection method: clinical testing. Allele origin: germline.
Comment: This sequence change replaces arginine, which is basic and polar, with histidine, which is basic and polar, at codon 270 of the ZNF335 protein (p.Arg270His). This variant is present in population databases (rs372619700, gnomAD 0.008%). This variant has not been reported in the literature in individuals affected with ZNF335-related conditions. Algorithms developed to predict the effect of missense changes on protein structure and function are either unavailable or do not agree on the potential impact of this missense change (SIFT: "Deleterious"; PolyPhen-2: "Possibly Damaging"; Align-GVGD: "Class C0"). In summary, the available evidence is currently insufficient to determine the role of this variant in disease. Therefore, it has been classified as a Variant of Uncertain Significance.